The following is an entry in ClinVar:

ClinVar aggregate classification (germline): Uncertain significance (1 of 4 stars; one submission).

Conditions:
Hereditary cancer-predisposing syndrome. Also called: Neoplastic Syndromes, Hereditary; Tumor predisposition; Hereditary Cancer Syndrome; Hereditary neoplastic syndrome. Identifiers: Orphanet 140162, MedGen C0027672, MeSH D009386, MONDO:0015356.

Submission:

Ambry Genetics
Classification: Uncertain significance for Hereditary cancer-predisposing syndrome. Last evaluated: 2022-01-30. Review status: criteria provided, single submitter. Criteria: Ambry Variant Classification Scheme 2023. Collection method: clinical testing. Allele origin: germline.
Comment: The p.K1242N variant (also known as c.3726A>C), located in coding exon 19 of the BRIP1 gene, results from an A to C substitution at nucleotide position 3726. The lysine at codon 1242 is replaced by asparagine, an amino acid with similar properties. This amino acid position is conserved. In addition, this alteration is predicted to be tolerated by in silico analysis. Since supporting evidence is limited at this time, the clinical significance of this alteration remains unclear.

NM_032043.3(BRIP1):c.3726A>C (p.Lys1242Asn)

Gene: BRIP1 (BRCA1 interacting DNA helicase 1; minus strand). Cytogenetic location: 17q23.2.
Variant type: single nucleotide variant.
Coding change: c.3726A>C on transcript NM_032043.3 (MANE Select); coding-DNA position 3726, A replaced by C.
Protein change: p.Lys1242Asn; replaces lysine 1242 with asparagine.
Molecular consequence: missense variant.
Genome position (GRCh38, 1-based): chr17:61,683,320, T>G on the plus strand (A>C on the coding strand, the complement: BRIP1 is on the minus strand). VCF-style: chr17-61683320-T-G. GRCh37 (hg19) VCF-style: chr17-59760681-T-G.
Other names: short protein forms K1242N.
Identifiers: ClinVar variation 1734330 (VCV001734330.2), dbSNP rs2144066363, ClinGen allele CA400477738.